The following is an entry in ClinVar:

ClinVar aggregate classification (germline): Conflicting classifications of pathogenicity. Review status: criteria provided, conflicting classifications (1 of 4 stars). 10 submissions from 9 submitters: Uncertain significance (2); Benign (1); Likely benign (4). 3 of the submissions do not count toward it. Last evaluated 2026-01-26.

Conditions:
Asphyxiating thoracic dystrophy 5 (SRTD5). Also called: SHORT-RIB THORACIC DYSPLASIA 5 WITH OR WITHOUT POLYDACTYLY; SHORT-RIB THORACIC DYSPLASIA 5 WITHOUT POLYDACTYLY. Identifiers: Orphanet 474, MedGen C3280598, MONDO:0013717, OMIM 614376.
Cranioectodermal dysplasia 4 (CED4). Identifiers: Orphanet 1515, MedGen C3280616, MONDO:0013719, OMIM 614378.
Senior-Loken syndrome 8 (SLSN8). Identifiers: Orphanet 3156, MedGen C4225376, MONDO:0014579, OMIM 616307.
Connective tissue disorder. Also called: Connective tissue disease. Identifiers: MedGen C0009782, MONDO:0003900.

Allele frequency attached by ClinVar (database versions not stated): 1000 Genomes Project 30x 0.00047; 1000 Genomes Project 0.00060; gnomAD 0.00162 and 0.00165; ESP Exome Variant Server 0.00169; TOPMed 0.00172; gnomAD exomes 0.00176 and 0.00225; ExAC 0.00210.
gnomAD v4.1: 3,400 of 1,552,348 alleles (0.22%); highest among the groups gnomAD compares: Non-Finnish European, 0.26%; 3 homozygotes.

Submissions (19):

Labcorp Genetics (formerly Invitae), Labcorp
Classification: Benign for Senior-Loken syndrome 8; Asphyxiating thoracic dystrophy 5. Last evaluated: 2026-01-26. Review status: criteria provided, single submitter. Criteria: Invitae Variant Classification Sherloc (09022015). Collection method: clinical testing. Allele origin: germline.

Blueprint Genetics
Classification: Likely benign. Last evaluated: 2024-11-12. Review status: criteria provided, single submitter. Criteria: ACMG Guidelines, 2015. Collection method: clinical testing. Allele origin: germline.

ARUP Laboratories, Molecular Genetics and Genomics, ARUP Laboratories
Classification: Likely benign. Last evaluated: 2023-10-14. Review status: criteria provided, single submitter. Criteria: ARUP Molecular Germline Variant Investigation Process 2024. Collection method: clinical testing. Allele origin: germline.

Genome Diagnostics Laboratory, The Hospital for Sick Children
Classification: Uncertain significance for Connective tissue disorder. Last evaluated: 2020-01-01. Review status: criteria provided, single submitter. Criteria: ACMG Guidelines, 2015. Collection method: clinical testing. Allele origin: germline.

Illumina Laboratory Services, Illumina
Classification: Likely benign for Cranioectodermal dysplasia 4. Last evaluated: 2018-01-13. Review status: criteria provided, single submitter. Criteria: ICSL Variant Classification Criteria 13 December 2019. Collection method: clinical testing. Allele origin: germline.
Comment: This variant was observed in the ICSL laboratory as part of a predisposition screen in an ostensibly healthy population. It had not been previously curated by ICSL or reported in the Human Gene Mutation Database (HGMD: prior to June 1st, 2018), and was therefore a candidate for classification through an automated scoring system. Utilizing variant allele frequency, disease prevalence and penetrance estimates, and inheritance mode, an automated score was calculated to assess if this variant is too frequent to cause the disease. Based on the score and internal cut-off values, a variant classified as likely benign is not then subjected to further curation. The score for this variant resulted in a classification of likely benign for this disease.

Illumina Laboratory Services, Illumina
Classification: Uncertain significance for Asphyxiating thoracic dystrophy 5. Last evaluated: 2018-01-13. Review status: criteria provided, single submitter. Criteria: ICSL Variant Classification Criteria 13 December 2019. Collection method: clinical testing. Allele origin: germline.

Eurofins Ntd Llc (ga)
Classification: Likely benign. Last evaluated: 2016-05-17. Review status: criteria provided, single submitter. Criteria: EGL Classification Definitions 2015. Collection method: clinical testing. Allele origin: germline. Observed: 1 variant allele, 1 heterozygote.

Clinical Genetics DNA and cytogenetics Diagnostics Lab, Erasmus MC, Erasmus Medical Center
Classification: Likely benign. Review status: no assertion criteria provided. Collection method: clinical testing. Allele origin: germline. Affected: yes. Study: VKGL Data-share Consensus. Not counted in ClinVar's aggregate classification.

Clinical Genetics, Academic Medical Center
Classification: Benign. Review status: no assertion criteria provided. Collection method: clinical testing. Allele origin: germline. Affected: yes. Study: VKGL Data-share Consensus. Not counted in ClinVar's aggregate classification.

Dr. Peter K. Rogan Lab, Western University
No classification provided (evidence only). Condition: Clear cell carcinoma of kidney. Review status: no classification provided. Collection method: in vitro. Allele origin: not applicable. Functional consequence: retained intron. Not counted in ClinVar's aggregate classification.

Dr. Peter K. Rogan Lab, Western University
No classification provided (evidence only). Condition: Lung cancer. Review status: no classification provided. Collection method: in vitro. Allele origin: not applicable. Functional consequence: retained intron. Not counted in ClinVar's aggregate classification.

Dr. Peter K. Rogan Lab, Western University
No classification provided (evidence only). Condition: Familial cancer of breast. Review status: no classification provided. Collection method: in vitro. Allele origin: not applicable. Functional consequence: retained intron. Not counted in ClinVar's aggregate classification.

Dr. Peter K. Rogan Lab, Western University
No classification provided (evidence only). Condition: Colorectal cancer. Review status: no classification provided. Collection method: in vitro. Allele origin: not applicable. Functional consequence: retained intron. Not counted in ClinVar's aggregate classification.

Dr. Peter K. Rogan Lab, Western University
No classification provided (evidence only). Condition: Cervical cancer. Review status: no classification provided. Collection method: in vitro. Allele origin: not applicable. Functional consequence: retained intron. Not counted in ClinVar's aggregate classification.

Dr. Peter K. Rogan Lab, Western University
No classification provided (evidence only). Condition: Hepatocellular carcinoma. Review status: no classification provided. Collection method: in vitro. Allele origin: not applicable. Functional consequence: retained intron. Not counted in ClinVar's aggregate classification.

Dr. Peter K. Rogan Lab, Western University
No classification provided (evidence only). Condition: Nonpapillary renal cell carcinoma. Review status: no classification provided. Collection method: in vitro. Allele origin: not applicable. Functional consequence: retained intron. Not counted in ClinVar's aggregate classification.

Dr. Peter K. Rogan Lab, Western University
No classification provided (evidence only). Condition: Glioma susceptibility 1. Review status: no classification provided. Collection method: in vitro. Allele origin: not applicable. Functional consequence: retained intron. Not counted in ClinVar's aggregate classification.

Dr. Peter K. Rogan Lab, Western University
No classification provided (evidence only). Condition: Ovarian serous cystadenocarcinoma. Review status: no classification provided. Collection method: in vitro. Allele origin: not applicable. Functional consequence: retained intron. Not counted in ClinVar's aggregate classification.

Genome Diagnostics Laboratory, University Medical Center Utrecht
Classification: Likely benign. Review status: no assertion criteria provided. Collection method: clinical testing. Allele origin: germline. Affected: yes. Study: VKGL Data-share Consensus. Not counted in ClinVar's aggregate classification.

NM_025132.4(WDR19):c.2361C>T (p.Phe787=)

Gene: WDR19 (WD repeat domain 19; plus strand). Cytogenetic location: 4p14.
Variant type: single nucleotide variant.
Coding change: c.2361C>T on transcript NM_025132.4 (MANE Select); coding-DNA position 2361, C replaced by T.
Protein change: p.Phe787=; no amino-acid change (phenylalanine 787 retained).
Molecular consequence: synonymous variant.
Genome position (GRCh38, 1-based): chr4:39,234,873, C>T. VCF-style: chr4-39234873-C-T. GRCh37 (hg19) VCF-style: chr4-39236493-C-T.
Other names: c.1881C>T, p.Phe627= (NM_001317924.2).
Identifiers: ClinVar variation 287684 (VCV000287684.34), dbSNP rs200133722, ClinGen allele CA2892056.
Genomic context (GRCh38, chr4:39,234,873, plus strand): 5'-GCATTTGGCCCCAGACCAGATACCTTTTATATCAAAAGAATATGCTATTCAGCTTGAATT[C>T]GCGTAAGTCTTTGTTTTTATACATTTCAGTCAGTAGCTAATGACTGCAAATATCTTCAGT-3'
Protein context (NP_079408.3, residues 777-797): ISKEYAIQLE[Phe787=]AGDYVNALAH